The following is an entry in ClinVar:

NM_001371928.1(AHDC1):c.196C>T (p.Arg66Cys)

Gene: AHDC1 (AT-hook DNA binding motif containing 1; minus strand). Cytogenetic location: 1p36.11.
Variant type: single nucleotide variant.
Coding change: c.196C>T on transcript NM_001371928.1 (MANE Select); coding-DNA position 196, C replaced by T.
Protein change: p.Arg66Cys; replaces arginine 66 with cysteine.
Molecular consequence: missense variant.
Genome position (GRCh38, 1-based): chr1:27,551,920, G>A on the plus strand (C>T on the coding strand, the complement: AHDC1 is on the minus strand). VCF-style: chr1-27551920-G-A. GRCh37 (hg19) VCF-style: chr1-27878431-G-A.
Other names: c.196C>T, p.Arg66Cys (NM_001029882.3); short protein forms R66C.
Identifiers: ClinVar variation 1898934 (VCV001898934.5), dbSNP rs1489833467, ClinGen allele CA339238271.

ClinVar aggregate classification (germline): Uncertain significance (1 of 4 stars; one submission).

Allele frequency attached by ClinVar (database versions not stated): gnomAD exomes below 0.00001.
gnomAD v4.1: 1 of 1,580,836 alleles (0.000063%); highest among the groups gnomAD compares: Non-Finnish European, 0.000086%; no homozygotes.

Submission:

Labcorp Genetics (formerly Invitae), Labcorp
Classification: Uncertain significance. Last evaluated: 2022-01-16. Review status: criteria provided, single submitter. Criteria: Invitae Variant Classification Sherloc (09022015). Collection method: clinical testing. Allele origin: germline.
Comment: In summary, the available evidence is currently insufficient to determine the role of this variant in disease. Therefore, it has been classified as a Variant of Uncertain Significance. Algorithms developed to predict the effect of missense changes on protein structure and function are either unavailable or do not agree on the potential impact of this missense change (SIFT: "Deleterious"; PolyPhen-2: "Possibly Damaging"; Align-GVGD: "Class C0"). This variant has not been reported in the literature in individuals affected with AHDC1-related conditions. The frequency data for this variant in the population databases is considered unreliable, as metrics indicate poor data quality at this position in the gnomAD database. This sequence change replaces arginine, which is basic and polar, with cysteine, which is neutral and slightly polar, at codon 66 of the AHDC1 protein (p.Arg66Cys).